The following is an entry in ClinVar:

ClinVar aggregate classification (germline): Uncertain significance (1 of 4 stars; one submission).

Conditions:
X-linked severe combined immunodeficiency (SCIDX1). Also called: IMMUNODEFICIENCY 4; SCID, X-LINKED; SEVERE COMBINED IMMUNODEFICIENCY, X-LINKED, T CELL-NEGATIVE, B CELL-POSITIVE, NK CELL-NEGATIVE; T-B+ severe combined immunodeficiency due to gamma chain deficiency; X-Linked Combined Immunodeficiency Diseases. Identifiers: Orphanet 276, MedGen C6022468, MONDO:0010315, OMIM 300400. Disease mechanism: loss of function.

Allele frequency attached by ClinVar (database versions not stated): gnomAD 0.00001 and 0.00002; TOPMed 0.00001; gnomAD exomes 0.00002 and 0.00003; ExAC 0.00003.

Submission:

Labcorp Genetics (formerly Invitae), Labcorp
Classification: Uncertain significance for X-linked severe combined immunodeficiency. Last evaluated: 2022-02-24. Review status: criteria provided, single submitter. Criteria: Invitae Variant Classification Sherloc (09022015). Collection method: clinical testing. Allele origin: germline.
Comment: This sequence change replaces proline, which is neutral and non-polar, with threonine, which is neutral and polar, at codon 361 of the IL2RG protein (p.Pro361Thr). The frequency data for this variant in the population databases is considered unreliable, as metrics indicate poor data quality at this position in the gnomAD database. This variant has not been reported in the literature in individuals affected with IL2RG-related conditions. Algorithms developed to predict the effect of missense changes on protein structure and function are either unavailable or do not agree on the potential impact of this missense change (SIFT: "Tolerated"; PolyPhen-2: "Probably Damaging"; Align-GVGD: "Class C0"). In summary, the available evidence is currently insufficient to determine the role of this variant in disease. Therefore, it has been classified as a Variant of Uncertain Significance.

NM_000206.3(IL2RG):c.1081C>A (p.Pro361Thr)

Gene: IL2RG (interleukin 2 receptor subunit gamma; minus strand). Cytogenetic location: Xq13.1.
Variant type: single nucleotide variant.
Coding change: c.1081C>A on transcript NM_000206.3 (MANE Select); coding-DNA position 1081, C replaced by A.
Protein change: p.Pro361Thr; replaces proline 361 with threonine.
Molecular consequence: missense variant.
Genome position (GRCh38, 1-based): chrX:71,107,765, G>T on the plus strand (C>A on the coding strand, the complement: IL2RG is on the minus strand). VCF-style: chrX-71107765-G-T. GRCh37 (hg19) VCF-style: chrX-70327615-G-T.
Other names: short protein forms P361T.
Identifiers: ClinVar variation 1392408 (VCV001392408.5), dbSNP rs778943977, ClinGen allele CA10443756.
Genomic context (GRCh38, chrX:71,107,765, plus strand): 5'-CCCTGGGGTTCTTCTGTCAGAGGATTGGGGTTCAGGTTTCAGGCTTTAGGGTGTAACATG[G>T]GGGGGCCCAGTAGGGGCTATGCTGGTTGCATGGGGAGGCCCCAGGCCCCTCCCCAAGGGC-3'
Protein context (NP_000197.1, residues 351-369): CNQHSPYWAP[Pro361Thr]CYTLKPET